The following is an entry in ClinVar:

ClinVar aggregate classification (germline): Likely benign (0 of 4 stars; one submission).

Conditions:
GLS-related disorder. Also called: GLS-related condition.

Allele frequency attached by ClinVar (database versions not stated): gnomAD 0.00002; TOPMed 0.00002; ExAC 0.00016.
gnomAD v4.1: 61 of 1,511,524 alleles (0.004%); highest among the groups gnomAD compares: Non-Finnish European, 0.005%; no homozygotes.

Submission:

PreventionGenetics, part of Exact Sciences
Classification: Likely benign for GLS-related condition. Last evaluated: 2019-06-07. Review status: no assertion criteria provided. Collection method: clinical testing. Allele origin: germline.
Comment: This variant is classified as likely benign based on ACMG/AMP sequence variant interpretation guidelines (Richards et al. 2015 PMID: 25741868, with internal and published modifications).

NM_014905.5(GLS):c.228T>C (p.Pro76=)

Gene: GLS (glutaminase; plus strand). Cytogenetic location: 2q32.2.
Variant type: single nucleotide variant.
Coding change: c.228T>C on transcript NM_014905.5 (MANE Select); coding-DNA position 228, T replaced by C.
Protein change: p.Pro76=; no amino-acid change (proline 76 retained).
Molecular consequence: synonymous variant.
Genome position (GRCh38, 1-based): chr2:190,881,312, T>C. VCF-style: chr2-190881312-T-C. GRCh37 (hg19) VCF-style: chr2-191746038-T-C.
Other names: c.228T>C, p.Pro76= (NM_001256310.2).
Identifiers: ClinVar variation 3043984 (VCV003043984.2), dbSNP rs775637177, ClinGen allele CA2029156.
Genomic context (GRCh38, chr2:190,881,312, plus strand): 5'-GTGGTGGGGCGGGGGCGGCTGGCCGGCGGAGCCCCTCGCGCGGGGCCTGTCCAGCTCTCC[T>C]TCGGAGATCTTGCAGGAGCTGGGCAAGGGGAGCACGCATCCGCAGCCCGGGGTGTCGCCA-3'
Protein context (NP_055720.3, residues 66-86): EPLARGLSSS[Pro76=]SEILQELGKG